The following is an entry in ClinVar:

ClinVar aggregate classification (germline): Uncertain significance (1 of 4 stars; one submission).

Conditions:
Inborn genetic diseases. Identifiers: MedGen C0950123, MeSH D030342.

Allele frequency attached by ClinVar (database versions not stated): TOPMed below 0.00001.

Submission:

Ambry Genetics
Classification: Uncertain significance for Inborn genetic diseases. Last evaluated: 2026-03-09. Review status: criteria provided, single submitter. Criteria: Ambry Variant Classification Scheme 2023. Collection method: clinical testing. Allele origin: germline.
Comment: The p.F250V variant (also known as c.748T>G), located in coding exon 6 of the PAX5 gene, results from a T to G substitution at nucleotide position 748. The phenylalanine at codon 250 is replaced by valine, an amino acid with highly similar properties. This amino acid position is conserved. In addition, this alteration is predicted to be deleterious by in silico analysis. Based on the available evidence, the clinical significance of this variant remains unclear.

NM_016734.3(PAX5):c.748T>G (p.Phe250Val)

Gene: PAX5 (paired box 5; minus strand). Cytogenetic location: 9p13.2.
Variant type: single nucleotide variant.
Coding change: c.748T>G on transcript NM_016734.3 (MANE Select); coding-DNA position 748, T replaced by G.
Protein change: p.Phe250Val; replaces phenylalanine 250 with valine.
Molecular consequence: missense variant. On other transcripts: non-coding transcript variant (2).
Genome position (GRCh38, 1-based): chr9:36,966,581, A>C on the plus strand (T>G on the coding strand, the complement: PAX5 is on the minus strand). VCF-style: chr9-36966581-A-C. GRCh37 (hg19) VCF-style: chr9-36966578-A-C.
Other names: c.748T>G, p.Phe250Val (NM_001280547.2, NM_001280548.2, NM_001280549.2 and 2 more transcripts); c.424T>G, p.Phe142Val (NM_001280551.2, NM_001280556.2); c.619T>G, p.Phe207Val (NM_001280553.2, NM_001280554.2); c.550T>G, p.Phe184Val (NM_001280555.2); short protein forms F184V, F250V, F142V, F207V.
Identifiers: ClinVar variation 3208981 (VCV003208981.2), dbSNP rs1834457451, ClinGen allele CA373486621.